The following is an entry in ClinVar:

NC_000023.11:g.(?_31146281)_(31147536_?)dup

Gene: DMD (dystrophin; minus strand). Cytogenetic location: Xp21.2.
Variant type: Duplication.
Identifiers: ClinVar variation 831175 (VCV000831175.8).

ClinVar aggregate classification (germline): Likely pathogenic (1 of 4 stars; one submission).

Conditions:
Duchenne muscular dystrophy (DMD). Also called: Duchenne Muscular Dystrophy (DMD); MUSCULAR DYSTROPHY, PSEUDOHYPERTROPHIC PROGRESSIVE, DUCHENNE TYPE. Identifiers: Orphanet 98896, MedGen C0013264, MONDO:0010679, OMIM 310200.

Submission:

Labcorp Genetics (formerly Invitae), Labcorp
Classification: Likely pathogenic for Duchenne muscular dystrophy. Last evaluated: 2022-08-16. Review status: criteria provided, single submitter. Criteria: Invitae Variant Classification Sherloc (09022015). Collection method: clinical testing. Allele origin: germline.
Comment: This variant results in a copy number gain of the genomic region encompassing exon(s) 75-76 of the DMD gene. While the exact position of this variant cannot be determined from the data, sub-genic copy number gains are generally in tandem (PMID: 25640679). This variant is predicted to be out-of-frame, and may result in an absent or disrupted protein product. Loss-of-function variants in DMD are known to be pathogenic (PMID: 16770791, 25007885). A similar copy number variant has been observed in individual(s) with clinical features of DMD-related conditions (Invitae). In summary, the currently available evidence indicates that the variant is pathogenic, but additional data are needed to prove that conclusively. Therefore, this variant has been classified as Likely Pathogenic.

Literature cited by the submitters: PubMed 25640679; PubMed 16770791; PubMed 25007885.